The following is an entry in ClinVar:

ClinVar aggregate classification (germline): Likely pathogenic. Review status: criteria provided, multiple submitters, no conflicts (2 of 4 stars). 2 submissions from 2 submitters: Likely pathogenic (2). Last evaluated 2024-09-20.

Conditions:
RNASEH2A-related disorder. Also called: RNASEH2A-related condition.
Aicardi-Goutieres syndrome 4. Identifiers: Orphanet 51, MedGen C1835912, MONDO:0012472, OMIM 610333.

Allele frequency attached by ClinVar (database versions not stated): gnomAD exomes 0.00001.
gnomAD v4.1: 8 of 1,581,778 alleles (0.00051%); highest among the groups gnomAD compares: Non-Finnish European, 0.00069%; no homozygotes.

Submissions (2):

Blueprint Genetics
Classification: Likely pathogenic for RNASEH2A-related disorders. Last evaluated: 2024-09-20. Review status: criteria provided, single submitter. Criteria: ACMG Guidelines, 2015. Collection method: clinical testing. Allele origin: germline. Affected: yes. Observed: 3 variant alleles.

Labcorp Genetics (formerly Invitae), Labcorp
Classification: Likely pathogenic for Aicardi-Goutieres syndrome 4. Last evaluated: 2024-04-19. Review status: criteria provided, single submitter. Criteria: Invitae Variant Classification Sherloc (09022015). Collection method: clinical testing. Allele origin: germline.
Comment: This sequence change affects a donor splice site in intron 1 of the RNASEH2A gene. It is expected to disrupt RNA splicing. Variants that disrupt the donor or acceptor splice site typically lead to a loss of protein function (PMID: 16199547), and loss-of-function variants in RNASEH2A are known to be pathogenic (PMID: 21454563, 25274781). This variant is not present in population databases (gnomAD no frequency). Disruption of this splice site has been observed in individual(s) with clinical features of RNASEH2A-related conditions (PMID: 25604658). ClinVar contains an entry for this variant (Variation ID: 2138239). Algorithms developed to predict the effect of sequence changes on RNA splicing suggest that this variant may disrupt the consensus splice site. In summary, the currently available evidence indicates that the variant is pathogenic, but additional data are needed to prove that conclusively. Therefore, this variant has been classified as Likely Pathogenic.

Literature cited by the submitters: PubMed 16199547 (cited by Labcorp Genetics (formerly Invitae), Labcorp); PubMed 21454563 (cited by Labcorp Genetics (formerly Invitae), Labcorp); PubMed 25274781 (cited by Labcorp Genetics (formerly Invitae), Labcorp); PubMed 25604658 (cited by Labcorp Genetics (formerly Invitae), Labcorp).

NM_006397.3(RNASEH2A):c.127+1G>C

Genes: RNASEH2A (ribonuclease H2 subunit A; plus strand), LOC117038795 (CRISPRi-FlowFISH-validated PRDX2 regulatory element 4; plus strand). Cytogenetic location: 19p13.13.
Variant type: single nucleotide variant.
Coding change: c.127+1G>C on transcript NM_006397.3 (MANE Select); the canonical splice donor site of the intron after coding-DNA position 127, G replaced by C.
Molecular consequence: splice donor variant.
Genome position (GRCh38, 1-based): chr19:12,806,801, G>C. VCF-style: chr19-12806801-G-C. GRCh37 (hg19) VCF-style: chr19-12917615-G-C.
Identifiers: ClinVar variation 2138239 (VCV002138239.5), dbSNP rs1273822899, ClinGen allele CA404263694.